The following is an entry in ClinVar:

ClinVar aggregate classification (germline): Likely benign (1 of 4 stars; one submission).

gnomAD v4.1: 40 of 1,612,826 alleles (0.0025%); highest among the groups gnomAD compares: Middle Eastern, 0.049%; no homozygotes.

Submission:

CeGaT Center for Human Genetics Tuebingen
Classification: Likely benign. Last evaluated: 2026-07-01. Review status: criteria provided, single submitter. Criteria: CeGaT Center For Human Genetics Tuebingen Variant Classification Criteria Version 2. Collection method: clinical testing. Allele origin: germline. Affected: yes. Observed: 1 variant allele.
Comment: DYNC1I2: BP4, BP7

NM_001378.3(DYNC1I2):c.387C>T (p.Ser129=)

Gene: DYNC1I2 (dynein cytoplasmic 1 intermediate chain 2; plus strand). Cytogenetic location: 2q31.1.
Variant type: single nucleotide variant.
Coding change: c.387C>T on transcript NM_001378.3 (MANE Select); coding-DNA position 387, C replaced by T.
Protein change: p.Ser129=; no amino-acid change (serine 129 retained).
Molecular consequence: synonymous variant. On other transcripts: intron variant (6).
Genome position (GRCh38, 1-based): chr2:171,712,818, C>T. VCF-style: chr2-171712818-C-T. GRCh37 (hg19) VCF-style: chr2-172569328-C-T.
Other names: c.387C>T, p.Ser129= (NM_001271785.2); c.369C>T, p.Ser123= (NM_001320882.2, NM_001320883.2, NM_001378455.1 and 1 more transcripts); c.372-2510C>T (NM_001271786.2, NM_001271787.2); c.318-2510C>T (NM_001271788.2, NM_001271790.2, NM_001271789.2 and 1 more transcripts).
Identifiers: ClinVar variation 5038585 (VCV005038585.1).